The following is an entry in ClinVar:

NM_000116.5(TAFAZZIN):c.284+1G>A

Gene: TAFAZZIN (tafazzin, phospholipid-lysophospholipid transacylase; plus strand). Cytogenetic location: Xq28.
Variant type: single nucleotide variant.
Coding change: c.284+1G>A on transcript NM_000116.5 (MANE Select); the canonical splice donor site of the intron after coding-DNA position 284, G replaced by A.
Molecular consequence: splice donor variant. On other transcripts: non-coding transcript variant (1).
Genome position (GRCh38, 1-based): chrX:154,413,253, G>A. VCF-style: chrX-154413253-G-A. GRCh37 (hg19) VCF-style: chrX-153641590-G-A.
Other names: c.338+1G>A (NM_001440856.1, NM_001303465.2, NM_001410698.1 and 1 more transcripts); c.284+1G>A (NM_181312.4, NM_181311.4, NM_181313.4 and 1 more transcripts).
Identifiers: ClinVar variation 4777750 (VCV004777750.1).

ClinVar aggregate classification (germline): Likely pathogenic (1 of 4 stars; one submission).

Conditions:
3-Methylglutaconic aciduria type 2 (BTHS). Also called: CARDIOSKELETAL MYOPATHY WITH NEUTROPENIA AND ABNORMAL MITOCHONDRIA; Barth syndrome. Identifiers: Orphanet 111, MedGen C0574083, MONDO:0010543, OMIM 302060.

Submission:

Labcorp Genetics (formerly Invitae), Labcorp
Classification: Likely pathogenic for 3-Methylglutaconic aciduria type 2. Last evaluated: 2025-02-25. Review status: criteria provided, single submitter. Criteria: Invitae Variant Classification Sherloc (09022015). Collection method: clinical testing. Allele origin: germline.
Comment: This sequence change affects a donor splice site in intron 3 of the TAZ gene. It is expected to disrupt RNA splicing. Variants that disrupt the donor or acceptor splice site typically lead to a loss of protein function (PMID: 16199547), and loss-of-function variants in TAZ are known to be pathogenic (PMID: 16427346, 22382802, 23409742). This variant is not present in population databases (gnomAD no frequency). Disruption of this splice site has been observed in individual(s) with clinical features of TAZ-related conditions (PMID: 33144682). Algorithms developed to predict the effect of sequence changes on RNA splicing suggest that this variant may disrupt the consensus splice site. In summary, the currently available evidence indicates that the variant is pathogenic, but additional data are needed to prove that conclusively. Therefore, this variant has been classified as Likely Pathogenic.

Literature cited by the submitters: PubMed 16199547; PubMed 16427346; PubMed 22382802; PubMed 23409742; PubMed 33144682.